The following is an entry in ClinVar:

NM_004795.4(KL):c.848A>G (p.Asn283Ser)

Gene: KL (klotho; plus strand). Cytogenetic location: 13q13.1.
Variant type: single nucleotide variant.
Coding change: c.848A>G on transcript NM_004795.4 (MANE Select); coding-DNA position 848, A replaced by G.
Protein change: p.Asn283Ser; replaces asparagine 283 with serine.
Molecular consequence: missense variant.
Genome position (GRCh38, 1-based): chr13:33,053,795, A>G. VCF-style: chr13-33053795-A-G. GRCh37 (hg19) VCF-style: chr13-33627932-A-G.
Other names: short protein forms N283S.
Identifiers: ClinVar variation 4701157 (VCV004701157.1).

ClinVar aggregate classification (germline): Uncertain significance (1 of 4 stars; one submission).

Submission:

Labcorp Genetics (formerly Invitae), Labcorp
Classification: Uncertain significance. Last evaluated: 2025-12-14. Review status: criteria provided, single submitter. Criteria: Invitae Variant Classification Sherloc (09022015). Collection method: clinical testing. Allele origin: germline.
Comment: This sequence change replaces asparagine, which is neutral and polar, with serine, which is neutral and polar, at codon 283 of the KL protein (p.Asn283Ser). This variant is not present in population databases (gnomAD no frequency). This variant has not been reported in the literature in individuals affected with KL-related conditions. Invitae Evidence Modeling of protein sequence and biophysical properties (such as structural, functional, and spatial information, amino acid conservation, physicochemical variation, residue mobility, and thermodynamic stability) indicates that this missense variant is not expected to disrupt KL protein function with a negative predictive value of 80%. In summary, the available evidence is currently insufficient to determine the role of this variant in disease. Therefore, it has been classified as a Variant of Uncertain Significance.